The following is an entry in ClinVar:

NM_001166108.2(PALLD):c.1965-12549T>C

Gene: PALLD (palladin, cytoskeletal associated protein; plus strand). Cytogenetic location: 4q32.3.
Variant type: single nucleotide variant.
Coding change: c.1965-12549T>C on transcript NM_001166108.2 (MANE Select); 12549 bases into the intron before coding-DNA position 1965, T replaced by C.
Molecular consequence: intron variant. On other transcripts: missense variant (1).
Genome position (GRCh38, 1-based): chr4:168,878,373, T>C. VCF-style: chr4-168878373-T-C. GRCh37 (hg19) VCF-style: chr4-169799524-T-C.
Other names: c.482T>C, p.Leu161Pro (NM_001166110.2); c.1965-12549T>C (NM_016081.4); c.819-12549T>C (NM_001166109.2); c.-157-12549T>C (NM_001367570.1, NM_001367568.1, NM_001367567.1 and 1 more transcripts); c.482T>C (NM_001166110.1); short protein forms L161P.
Identifiers: ClinVar variation 2854313 (VCV002854313.4), dbSNP rs2533445631, ClinGen allele CA358796763.

ClinVar aggregate classification (germline): Uncertain significance. Review status: criteria provided, multiple submitters, no conflicts (2 of 4 stars). 2 submissions from 2 submitters: Uncertain significance (2). Last evaluated 2026-06-09.

Conditions:
Pancreatic adenocarcinoma. Identifiers: MedGen C0281361, MONDO:0006047, HP:0006725.

Allele frequency attached by ClinVar (database versions not stated): gnomAD exomes below 0.00001.
gnomAD v4.1: 2 of 1,507,832 alleles (0.00013%); highest among the groups gnomAD compares: Non-Finnish European, 0.00018%; no homozygotes.

Submissions (2):

Ambry Genetics
Classification: Uncertain significance. Last evaluated: 2026-06-09. Review status: criteria provided, single submitter. Criteria: Ambry Variant Classification Scheme 2023. Collection method: clinical testing. Allele origin: germline.
Comment: The p.L161P variant (also known as c.482T>C), located in coding exon 1 of the PALLD gene, results from a T to C substitution at nucleotide position 482. The leucine at codon 161 is replaced by proline, an amino acid with similar properties. This amino acid position is conserved. In addition, the in silico prediction for this alteration is inconclusive. Based on the available evidence, the clinical significance of this variant remains unclear.

Labcorp Genetics (formerly Invitae), Labcorp
Classification: Uncertain significance for Pancreatic adenocarcinoma. Last evaluated: 2025-08-26. Review status: criteria provided, single submitter. Criteria: Invitae Variant Classification Sherloc (09022015). Collection method: clinical testing. Allele origin: germline.
Comment: This sequence change replaces leucine, which is neutral and non-polar, with proline, which is neutral and non-polar, at codon 161 of the PALLD protein (p.Leu161Pro). This variant is not present in population databases (gnomAD no frequency). This variant has not been reported in the literature in individuals affected with PALLD-related conditions. ClinVar contains an entry for this variant (Variation ID: 2854313). An algorithm developed to predict the effect of missense changes on protein structure and function (PolyPhen-2) suggests that this variant is likely to be tolerated. In summary, the available evidence is currently insufficient to determine the role of this variant in disease. Therefore, it has been classified as a Variant of Uncertain Significance.